The following is an entry in ClinVar:

ClinVar aggregate classification (germline): Uncertain significance (1 of 4 stars; one submission).

Allele frequency attached by ClinVar (database versions not stated): ESP Exome Variant Server 0.00008.
gnomAD v4.1: 88 of 1,613,896 alleles (0.0055%); highest among the groups gnomAD compares: East Asian, 0.036%; no homozygotes.

Submission:

Labcorp Genetics (formerly Invitae), Labcorp
Classification: Uncertain significance. Last evaluated: 2022-09-22. Review status: criteria provided, single submitter. Criteria: Invitae Variant Classification Sherloc (09022015). Collection method: clinical testing. Allele origin: germline.
Comment: This sequence change replaces isoleucine, which is neutral and non-polar, with valine, which is neutral and non-polar, at codon 2633 of the PCLO protein (p.Ile2633Val). This variant is present in population databases (rs374002924, gnomAD 0.1%). This variant has not been reported in the literature in individuals affected with PCLO-related conditions. ClinVar contains an entry for this variant (Variation ID: 1431736). Algorithms developed to predict the effect of missense changes on protein structure and function are either unavailable or do not agree on the potential impact of this missense change (SIFT: "Tolerated"; PolyPhen-2: "Not Available"; Align-GVGD: "Class C0"). In summary, the available evidence is currently insufficient to determine the role of this variant in disease. Therefore, it has been classified as a Variant of Uncertain Significance.

NM_033026.6(PCLO):c.7897A>G (p.Ile2633Val)

Gene: PCLO (piccolo presynaptic cytomatrix protein; minus strand). Cytogenetic location: 7q21.11.
Variant type: single nucleotide variant.
Coding change: c.7897A>G on transcript NM_033026.6 (MANE Select); coding-DNA position 7897, A replaced by G.
Protein change: p.Ile2633Val; replaces isoleucine 2633 with valine.
Molecular consequence: missense variant.
Genome position (GRCh38, 1-based): chr7:82,953,056, T>C on the plus strand (A>G on the coding strand, the complement: PCLO is on the minus strand). VCF-style: chr7-82953056-T-C. GRCh37 (hg19) VCF-style: chr7-82582372-T-C.
Other names: c.7897A>G, p.Ile2633Val (NM_014510.3); short protein forms I2633V.
Identifiers: ClinVar variation 1431736 (VCV001431736.3), dbSNP rs374002924, ClinGen allele CA4320225.